The following is an entry in ClinVar:

ClinVar aggregate classification (germline): Likely pathogenic (1 of 4 stars; one submission).

Conditions:
Neurofibromatosis, type 1 (NF1). Also called: VON RECKLINGHAUSEN DISEASE; Neurofibromatosis, type I; NEUROFIBROMATOSIS, TYPE I, SOMATIC; Peripheral type neurofibromatosis. Identifiers: Orphanet 636, MedGen C0027831, MONDO:0018975, OMIM 162200. Disease mechanism: loss of function.

Submission:

Kasturba Medical College, Manipal, Kasturba Medical College, Manipal, Manipal Academy of Higher Education, Manipal, India
Classification: Likely pathogenic for Neurofibromatosis, type 1. Review status: criteria provided, single submitter. Criteria: ACMG Guidelines, 2015. Collection method: clinical testing. Allele origin: paternal. Inheritance: Autosomal dominant inheritance. Affected: yes. Observed: 1 heterozygote.
Comment: The variant likely introduces a prematuretermination codon, which may either result in truncated protein or trigger nonsense-medicated decay.Mono-allelic loss of function variants (nonsense/frameshift) including those located towards the 3’end of NF1 are known to be causative of neurofibromatosis type 1 (Pros E et al.,2008). Thus, above-mentioned findings confirm the diagnosis of neurofibromatosis, type 1.

Literature cited by the submitters: DOI 10.1002/humu.20826..

NM_001042492.3(NF1):c.8106C>A (p.Tyr2702Ter)

Gene: NF1 (neurofibromin 1; plus strand). Cytogenetic location: 17q11.2.
Variant type: single nucleotide variant.
Coding change: c.8106C>A on transcript NM_001042492.3 (MANE Select); coding-DNA position 8106, C replaced by A.
Protein change: p.Tyr2702Ter; replaces tyrosine 2702 with a stop codon.
Molecular consequence: nonsense.
Genome position (GRCh38, 1-based): chr17:31,358,615, C>A. VCF-style: chr17-31358615-C-A. GRCh37 (hg19) VCF-style: chr17-29685633-C-A.
Other names: c.8043C>A, p.Tyr2681Ter (NM_000267.4); short protein forms Y2681*, Y2702*.
Identifiers: ClinVar variation 3256114 (VCV003256114.2).